The following is an entry in ClinVar:

NM_014141.6(CNTNAP2):c.318C>T (p.Ser106=)

Gene: CNTNAP2 (contactin associated protein 2; plus strand). Cytogenetic location: 7q35.
Variant type: single nucleotide variant.
Coding change: c.318C>T on transcript NM_014141.6 (MANE Select); coding-DNA position 318, C replaced by T.
Protein change: p.Ser106=; no amino-acid change (serine 106 retained).
Molecular consequence: synonymous variant.
Genome position (GRCh38, 1-based): chr7:146,839,820, C>T. VCF-style: chr7-146839820-C-T. GRCh37 (hg19) VCF-style: chr7-146536912-C-T.
Other names: p.S106S:AGC>AGT; p.Ser106=.
Identifiers: ClinVar variation 128803 (VCV000128803.30), dbSNP rs61732853, ClinGen allele CA288757.

ClinVar aggregate classification (germline): Benign/Likely benign. Review status: criteria provided, multiple submitters, no conflicts (2 of 4 stars). 10 submissions from 10 submitters: Benign (6); Likely benign (3). 1 of the submissions does not count toward it. Last evaluated 2026-02-03.

Conditions:
Cortical dysplasia-focal epilepsy syndrome (PTHSL1). Also called: Pitt-Hopkins-like syndrome 1. Identifiers: Orphanet 163681, Orphanet 221150, MedGen C2750246, MONDO:0012400, OMIM 610042.
Autism, susceptibility to, 15. Also called: Autism susceptibility 15. Identifiers: MedGen C2677504, MONDO:0012801, OMIM 612100.
Inborn genetic diseases. Identifiers: MedGen C0950123, MeSH D030342.

Allele frequency attached by ClinVar (database versions not stated): gnomAD exomes 0.00227 and 0.00511; ExAC 0.00605; gnomAD 0.01681 and 0.01773; ESP Exome Variant Server 0.01838; TOPMed 0.01913; 1000 Genomes Project 0.02137; 1000 Genomes Project 30x 0.02202.
gnomAD v4.1: 6,027 of 1,614,084 alleles (0.37%); highest among the groups gnomAD compares: African/African-American, 5.7%; 128 homozygotes.

Submissions (10):

Labcorp Genetics (formerly Invitae), Labcorp
Classification: Benign for Cortical dysplasia-focal epilepsy syndrome. Last evaluated: 2026-02-03. Review status: criteria provided, single submitter. Criteria: Invitae Variant Classification Sherloc (09022015). Collection method: clinical testing. Allele origin: germline.

Blueprint Genetics
Classification: Likely benign. Last evaluated: 2024-11-27. Review status: criteria provided, single submitter. Criteria: ACMG Guidelines, 2015. Collection method: clinical testing. Allele origin: germline.

Fulgent Genetics
Classification: Likely benign for Cortical dysplasia-focal epilepsy syndrome; Autism, susceptibility to, 15. Last evaluated: 2022-01-24. Review status: criteria provided, single submitter. Criteria: ACMG Guidelines, 2015. Collection method: clinical testing. Allele origin: unknown.

Mayo Clinic Laboratories, Mayo Clinic
Classification: Benign. Last evaluated: 2018-04-10. Review status: criteria provided, single submitter. Criteria: ACMG Guidelines, 2015. Collection method: clinical testing. Allele origin: germline. Observed: 14 variant alleles.

Illumina Laboratory Services, Illumina
Classification: Benign for Cortical dysplasia-focal epilepsy syndrome. Last evaluated: 2018-01-13. Review status: criteria provided, single submitter. Criteria: ICSL Variant Classification Criteria 13 December 2019. Collection method: clinical testing. Allele origin: germline.
Comment: This variant was observed in the ICSL laboratory as part of a predisposition screen in an ostensibly healthy population. It had not been previously curated by ICSL or reported in the Human Gene Mutation Database (HGMD: prior to June 1st, 2018), and was therefore a candidate for classification through an automated scoring system. Utilizing variant allele frequency, disease prevalence and penetrance estimates, and inheritance mode, an automated score was calculated to assess if this variant is too frequent to cause the disease. Based on the score and internal cut-off values, a variant classified as benign is not then subjected to further curation. The score for this variant resulted in a classification of benign for this disease.

Ambry Genetics
Classification: Benign for Inborn genetic diseases. Last evaluated: 2016-03-21. Review status: criteria provided, single submitter. Criteria: Ambry Variant Classification Scheme 2023. Collection method: clinical testing. Allele origin: germline.

GeneDx
Classification: Benign. Last evaluated: 2012-03-02. Review status: criteria provided, single submitter. Criteria: GeneDx Variant Classification (06012015). Collection method: clinical testing. Allele origin: germline. Affected: yes.
Comment: This variant is considered likely benign or benign based on one or more of the following criteria: it is a conservative change, it occurs at a poorly conserved position in the protein, it is predicted to be benign by multiple in silico algorithms, and/or has population frequency not consistent with disease.

Breakthrough Genomics
Classification: Likely benign. Review status: criteria provided, single submitter. Criteria: ACMG Guidelines, 2015. Collection method: not provided. Allele origin: germline. Inheritance: Autosomal recessive inheritance. Affected: yes.

PreventionGenetics, part of Exact Sciences
Classification: Benign. Review status: criteria provided, single submitter. Criteria: ACMG Guidelines, 2015. Collection method: clinical testing. Allele origin: germline.

Genetic Services Laboratory, University of Chicago
Classification: Likely benign for AllHighlyPenetrant. Review status: no assertion criteria provided. Collection method: clinical testing. Allele origin: germline. Inheritance: Autosomal recessive inheritance. Not counted in ClinVar's aggregate classification.
Comment: Likely benign based on allele frequency in 1000 Genomes Project or ESP global frequency and its presence in a patient with a rare or unrelated disease phenotype. NOT Sanger confirmed.